The following is an entry in ClinVar:

ClinVar aggregate classification (germline): Uncertain significance (1 of 4 stars; one submission).

Conditions:
Charcot-Marie-Tooth disease type 2. Also called: Charcot-Marie-Tooth type 2. Identifiers: Orphanet 64746, MedGen C0270914, MONDO:0018993.

Allele frequency attached by ClinVar (database versions not stated): TOPMed below 0.00001; gnomAD 0.00001.
gnomAD v4.1: 1 of 1,614,048 alleles (0.000062%); highest among the groups gnomAD compares: Admixed American, 0.0017%; no homozygotes.

Submission:

Labcorp Genetics (formerly Invitae), Labcorp
Classification: Uncertain significance for Charcot-Marie-Tooth disease type 2. Last evaluated: 2021-09-08. Review status: criteria provided, single submitter. Criteria: Invitae Variant Classification Sherloc (09022015). Collection method: clinical testing. Allele origin: germline.
Comment: In summary, the available evidence is currently insufficient to determine the role of this variant in disease. Therefore, it has been classified as a Variant of Uncertain Significance. Algorithms developed to predict the effect of sequence changes on RNA splicing suggest that this variant may create or strengthen a splice site. This variant has not been reported in the literature in individuals affected with AARS-related conditions. This variant is not present in population databases (ExAC no frequency). This sequence change affects codon 89 of the AARS mRNA. It is a 'silent' change, meaning that it does not change the encoded amino acid sequence of the AARS protein.

NM_001605.3(AARS1):c.267C>T (p.Gly89=)

Gene: AARS1 (alanyl-tRNA synthetase 1; minus strand). Cytogenetic location: 16q22.1.
Variant type: single nucleotide variant.
Coding change: c.267C>T on transcript NM_001605.3 (MANE Select); coding-DNA position 267, C replaced by T.
Protein change: p.Gly89=; no amino-acid change (glycine 89 retained).
Molecular consequence: synonymous variant.
Genome position (GRCh38, 1-based): chr16:70,277,032, G>A on the plus strand (C>T on the coding strand, the complement: AARS1 is on the minus strand). VCF-style: chr16-70277032-G-A. GRCh37 (hg19) VCF-style: chr16-70310935-G-A.
Identifiers: ClinVar variation 1682323 (VCV001682323.6), dbSNP rs1960568594, ClinGen allele CA496213485.